The following is an entry in ClinVar:

ClinVar aggregate classification (germline): Conflicting classifications of pathogenicity. Review status: criteria provided, conflicting classifications (1 of 4 stars). 2 submissions from 2 submitters: Uncertain significance (1); Likely benign (1). Last evaluated 2025-07-30.

Allele frequency attached by ClinVar (database versions not stated): gnomAD exomes 0.00001 and 0.00004; ExAC 0.00003; TOPMed 0.00003.
gnomAD v4.1: 8 of 1,211,725 alleles (0.00066%); highest among the groups gnomAD compares: Admixed American, 0.017%; no homozygotes.

Submissions (2):

Labcorp Genetics (formerly Invitae), Labcorp
Classification: Uncertain significance. Last evaluated: 2025-07-30. Review status: criteria provided, single submitter. Criteria: Invitae Variant Classification Sherloc (09022015). Collection method: clinical testing. Allele origin: germline.
Comment: This sequence change replaces alanine, which is neutral and non-polar, with glutamic acid, which is acidic and polar, at codon 1406 of the NEXMIF protein (p.Ala1406Glu). This variant is present in population databases (rs775633155, gnomAD 0.03%). This variant has not been reported in the literature in individuals affected with NEXMIF-related conditions. ClinVar contains an entry for this variant (Variation ID: 1466926). An algorithm developed to predict the effect of missense changes on protein structure and function (PolyPhen-2) suggests that this variant is likely to be tolerated. In summary, the available evidence is currently insufficient to determine the role of this variant in disease. Therefore, it has been classified as a Variant of Uncertain Significance.

Ambry Genetics
Classification: Likely benign. Last evaluated: 2021-12-03. Review status: criteria provided, single submitter. Criteria: Ambry Variant Classification Scheme 2023. Collection method: clinical testing. Allele origin: germline.

NM_001008537.3(NEXMIF):c.4217C>A (p.Ala1406Glu)

Gene: NEXMIF (neurite extension and migration factor; minus strand). Cytogenetic location: Xq13.3.
Variant type: single nucleotide variant.
Coding change: c.4217C>A on transcript NM_001008537.3 (MANE Select); coding-DNA position 4217, C replaced by A.
Protein change: p.Ala1406Glu; replaces alanine 1406 with glutamic acid.
Molecular consequence: missense variant.
Genome position (GRCh38, 1-based): chrX:74,740,340, G>T on the plus strand (C>A on the coding strand, the complement: NEXMIF is on the minus strand). VCF-style: chrX-74740340-G-T. GRCh37 (hg19) VCF-style: chrX-73960175-G-T.
Other names: c.4217C>A (NM_001008537.2); short protein forms A1406E.
Identifiers: ClinVar variation 1466926 (VCV001466926.9), dbSNP rs775633155, ClinGen allele CA10454865.